The following is an entry in ClinVar:

ClinVar aggregate classification (germline): Likely benign (0 of 4 stars; one submission).

Conditions:
CDC42BPB-related disorder.

Allele frequency attached by ClinVar (database versions not stated): TOPMed below 0.00001.
gnomAD v4.1: 1 of 1,613,306 alleles (0.000062%); highest among the groups gnomAD compares: Non-Finnish European, 0.000085%; no homozygotes.

Submission:

PreventionGenetics, part of Exact Sciences
Classification: Likely benign for CDC42BPB-related condition. Last evaluated: 2021-04-19. Review status: no assertion criteria provided. Collection method: clinical testing. Allele origin: germline.
Comment: This variant is classified as likely benign based on ACMG/AMP sequence variant interpretation guidelines (Richards et al. 2015 PMID: 25741868, with internal and published modifications).

NM_006035.4(CDC42BPB):c.2328A>G (p.Leu776=)

Gene: CDC42BPB (CDC42 binding protein kinase beta; minus strand). Cytogenetic location: 14q32.32.
Variant type: single nucleotide variant.
Coding change: c.2328A>G on transcript NM_006035.4 (MANE Select); coding-DNA position 2328, A replaced by G.
Protein change: p.Leu776=; no amino-acid change (leucine 776 retained).
Molecular consequence: synonymous variant.
Genome position (GRCh38, 1-based): chr14:102,968,271, T>C on the plus strand (A>G on the coding strand, the complement: CDC42BPB is on the minus strand). VCF-style: chr14-102968271-T-C. GRCh37 (hg19) VCF-style: chr14-103434608-T-C.
Other names: c.2328A>G, p.Leu776= (NM_001411054.1).
Identifiers: ClinVar variation 3029860 (VCV003029860.2), dbSNP rs777692635, ClinGen allele CA488005495.